The following is an entry in ClinVar:

NM_006767.4(LZTR1):c.1755T>A (p.Ser585Arg)

Gene: LZTR1 (leucine zipper like post translational regulator 1; plus strand). Cytogenetic location: 22q11.21.
Variant type: single nucleotide variant.
Coding change: c.1755T>A on transcript NM_006767.4 (MANE Select); coding-DNA position 1755, T replaced by A.
Protein change: p.Ser585Arg; replaces serine 585 with arginine.
Molecular consequence: missense variant.
Genome position (GRCh38, 1-based): chr22:20,994,697, T>A. VCF-style: chr22-20994697-T-A. GRCh37 (hg19) VCF-style: chr22-21348986-T-A.
Other names: short protein forms S585R.
Identifiers: ClinVar variation 4859429 (VCV004859429.1).

ClinVar aggregate classification (germline): Uncertain significance (1 of 4 stars; one submission).

Conditions:
Cardiovascular phenotype. Identifiers: MedGen CN230736.
Hereditary cancer-predisposing syndrome. Also called: Neoplastic Syndromes, Hereditary; Tumor predisposition; Hereditary Cancer Syndrome; Hereditary neoplastic syndrome. Identifiers: Orphanet 140162, MedGen C0027672, MeSH D009386, MONDO:0015356.

Submission:

Ambry Genetics
Classification: Uncertain significance for Cardiovascular phenotype; Hereditary cancer-predisposing syndrome. Last evaluated: 2026-06-02. Review status: criteria provided, single submitter. Criteria: Ambry Variant Classification Scheme 2023. Collection method: clinical testing. Allele origin: germline.
Comment: The p.S585R variant (also known as c.1755T>A), located in coding exon 15 of the LZTR1 gene, results from a T to A substitution at nucleotide position 1755. The serine at codon 585 is replaced by arginine, an amino acid with dissimilar properties. This amino acid position is conserved. In addition, this alteration is predicted to be tolerated by in silico analysis. Based on the available evidence, the clinical significance of this variant remains unclear.